The following is an entry in ClinVar:

NM_017999.5(RNF31):c.308C>A (p.Pro103His)

Gene: RNF31 (ring finger protein 31; plus strand). Cytogenetic location: 14q12.
Variant type: single nucleotide variant.
Coding change: c.308C>A on transcript NM_017999.5 (MANE Select); coding-DNA position 308, C replaced by A.
Protein change: p.Pro103His; replaces proline 103 with histidine.
Molecular consequence: missense variant. On other transcripts: 5 prime UTR variant (1).
Genome position (GRCh38, 1-based): chr14:24,148,091, C>A. VCF-style: chr14-24148091-C-A. GRCh37 (hg19) VCF-style: chr14-24617300-C-A.
Other names: c.-210C>A (NM_001310332.2); short protein forms P103H.
Identifiers: ClinVar variation 2883181 (VCV002883181.3), dbSNP rs766936649, ClinGen allele CA7125411.

ClinVar aggregate classification (germline): Uncertain significance (1 of 4 stars; one submission).

Allele frequency attached by ClinVar (database versions not stated): gnomAD 0.00002; gnomAD exomes 0.00002; TOPMed 0.00002; ExAC 0.00002.
gnomAD v4.1: 31 of 1,614,102 alleles (0.0019%); highest among the groups gnomAD compares: Non-Finnish European, 0.0025%; no homozygotes.

Submission:

Labcorp Genetics (formerly Invitae), Labcorp
Classification: Uncertain significance. Last evaluated: 2025-10-21. Review status: criteria provided, single submitter. Criteria: Invitae Variant Classification Sherloc (09022015). Collection method: clinical testing. Allele origin: germline.
Comment: This sequence change replaces proline, which is neutral and non-polar, with histidine, which is basic and polar, at codon 103 of the RNF31 protein (p.Pro103His). This variant is present in population databases (rs766936649, gnomAD 0.004%). This variant has not been reported in the literature in individuals affected with RNF31-related conditions. ClinVar contains an entry for this variant (Variation ID: 2883181). An algorithm developed to predict the effect of missense changes on protein structure and function (PolyPhen-2) suggests that this variant is likely to be disruptive. In summary, the available evidence is currently insufficient to determine the role of this variant in disease. Therefore, it has been classified as a Variant of Uncertain Significance.